The following is an entry in ClinVar:

ClinVar aggregate classification (germline): Pathogenic. Review status: criteria provided, multiple submitters, no conflicts (2 of 4 stars). 3 submissions from 3 submitters: Pathogenic (2). 1 of the submissions does not count toward it. Last evaluated 2023-03-15.
ClinVar aggregate classification (oncogenicity): Likely oncogenic (1 of 4 stars; one submission).

Conditions:
Kabuki syndrome 1 (KABUK1). Also called: KMT2D-Related Kabuki Syndrome. Identifiers: Orphanet 2322, MedGen CN030661, MONDO:0007843, OMIM 147920.
Neoplasm. Also called: Neoplasms; Neoplasm (disease); tumor. Identifiers: MedGen C0027651, MeSH D009369, MONDO:0005070, HP:0002664.

Submissions (4):

Center for Genomic Medicine, Rigshospitalet, Copenhagen University Hospital
Classification: Likely oncogenic for Neoplasm. Last evaluated: 2025-03-04. Review status: criteria provided, single submitter. Criteria: ClinGen/CGC/VICC Guidelines for Oncogenicity, 2022. Collection method: clinical testing. Allele origin: somatic. Affected: yes.

GeneDx
Classification: Pathogenic. Last evaluated: 2023-03-15. Review status: criteria provided, single submitter. Criteria: GeneDx Variant Classification Process June 2021. Collection method: clinical testing. Allele origin: germline. Affected: yes.
Comment: Frameshift variant predicted to result in protein truncation or nonsense mediated decay in a gene for which loss of function is a known mechanism of disease; Not observed at significant frequency in large population cohorts (gnomAD); This variant is associated with the following publications: (PMID: 32732226)

Equipe Genetique des Anomalies du Developpement, Université de Bourgogne
Classification: Pathogenic for Kabuki syndrome 1. Last evaluated: 2016-06-23. Review status: criteria provided, single submitter. Criteria: ACMG Guidelines, 2015. Collection method: clinical testing. Allele origin: de novo. Affected: yes. Study: Clinvar_gadteam_Clinical_exome_analysis_3.

Institute of Human Genetics, Cologne University
Classification: Pathogenic for Kabuki syndrome 1. Last evaluated: 2016-09-26. Review status: no assertion criteria provided. Collection method: clinical testing. Allele origin: unknown. Inheritance: Autosomal dominant inheritance. Affected: yes. Observed: 1 variant allele, 1 heterozygote. Not counted in ClinVar's aggregate classification.

Literature cited by the submitters: PubMed 26366712 (cited by Center for Genomic Medicine, Rigshospitalet, Copenhagen University Hospital).

NM_003482.4(KMT2D):c.13884del (p.Thr4629fs)

Gene: KMT2D (lysine methyltransferase 2D; minus strand). Cytogenetic location: 12q13.12.
Variant type: Deletion.
Coding change: c.13884del on transcript NM_003482.4 (MANE Select); coding-DNA position 13884, one base deleted (C; older notation c.13884delC).
Protein change: p.Thr4629fs; shifts the reading frame from threonine 4629.
Molecular consequence: frameshift variant.
Genome position (GRCh38, 1-based): chr12:49,030,395, G deleted on the plus strand (C on the coding strand, the reverse complement: KMT2D is on the minus strand); the first of 6 consecutive G bases (chr12:49,030,395-49,030,400); deleting any one gives the same sequence. VCF-style (leftmost placement, unchanged base first): chr12-49030394-TG-T. GRCh37 (hg19) VCF-style: chr12-49424177-TG-T.
Other names: c.13884delC (NM_003482.3, NM_003482.4); short protein forms T4629fs.
Identifiers: ClinVar variation 267267 (VCV000267267.4), dbSNP rs886040960, ClinGen allele CA10590099.